The following is an entry in ClinVar:

ClinVar aggregate classification (germline): Benign. Review status: criteria provided, multiple submitters, no conflicts (2 of 4 stars). 7 submissions from 7 submitters: Benign (7). Last evaluated 2026-02-01.

Conditions:
Connective tissue disorder. Also called: Connective tissue disease. Identifiers: MedGen C0009782, MONDO:0003900.
Achondrogenesis, type IA (ACG1A). Identifiers: Orphanet 932, Orphanet 93299, MedGen C0265273, MONDO:0008701, OMIM 200600.

Allele frequency attached by ClinVar (database versions not stated): ESP Exome Variant Server 0.00092; gnomAD 0.00410 and 0.00740; TOPMed 0.00436; gnomAD exomes 0.01539; ExAC 0.01684; 1000 Genomes Project 30x 0.03232; 1000 Genomes Project 0.03514.
gnomAD v4.1: 12,727 of 1,585,964 alleles (0.8%); highest among the groups gnomAD compares: East Asian, 8.8%; 445 homozygotes.

Submissions (7):

Labcorp Genetics (formerly Invitae), Labcorp
Classification: Benign for Achondrogenesis, type IA. Last evaluated: 2026-02-01. Review status: criteria provided, single submitter. Criteria: Invitae Variant Classification Sherloc (09022015). Collection method: clinical testing. Allele origin: germline.

Mayo Clinic Laboratories, Mayo Clinic
Classification: Benign. Last evaluated: 2024-11-16. Review status: criteria provided, single submitter. Criteria: ACMG Guidelines, 2015. Collection method: clinical testing. Allele origin: germline. Observed: 2 variant alleles.

ARUP Laboratories, Molecular Genetics and Genomics, ARUP Laboratories
Classification: Benign. Last evaluated: 2023-11-11. Review status: criteria provided, single submitter. Criteria: ARUP Molecular Germline Variant Investigation Process 2024. Collection method: clinical testing. Allele origin: germline.

Genome Diagnostics Laboratory, The Hospital for Sick Children
Classification: Benign for Connective tissue disorder. Last evaluated: 2021-05-12. Review status: criteria provided, single submitter. Criteria: ACMG Guidelines, 2015. Collection method: clinical testing. Allele origin: germline.

Illumina Laboratory Services, Illumina
Classification: Benign for Achondrogenesis, type IA. Last evaluated: 2018-01-13. Review status: criteria provided, single submitter. Criteria: ICSL Variant Classification Criteria 13 December 2019. Collection method: clinical testing. Allele origin: germline.
Comment: This variant was observed in the ICSL laboratory as part of a predisposition screen in an ostensibly healthy population. It had not been previously curated by ICSL or reported in the Human Gene Mutation Database (HGMD: prior to June 1st, 2018), and was therefore a candidate for classification through an automated scoring system. Utilizing variant allele frequency, disease prevalence and penetrance estimates, and inheritance mode, an automated score was calculated to assess if this variant is too frequent to cause the disease. Based on the score and internal cut-off values, a variant classified as benign is not then subjected to further curation. The score for this variant resulted in a classification of benign for this disease.

GeneDx
Classification: Benign. Last evaluated: 2017-01-30. Review status: criteria provided, single submitter. Criteria: GeneDx Variant Classification (06012015). Collection method: clinical testing. Allele origin: germline. Affected: yes.
Comment: This variant is considered likely benign or benign based on one or more of the following criteria: it is a conservative change, it occurs at a poorly conserved position in the protein, it is predicted to be benign by multiple in silico algorithms, and/or has population frequency not consistent with disease.

Breakthrough Genomics
Classification: Benign. Review status: criteria provided, single submitter. Criteria: ACMG Guidelines, 2015. Collection method: not provided. Allele origin: germline. Inheritance: Autosomal recessive inheritance. Affected: yes.

NM_004239.4(TRIP11):c.1904C>G (p.Ser635Cys)

Gene: TRIP11 (thyroid hormone receptor interactor 11; minus strand). Cytogenetic location: 14q32.12.
Variant type: single nucleotide variant.
Coding change: c.1904C>G on transcript NM_004239.4 (MANE Select); coding-DNA position 1904, C replaced by G.
Protein change: p.Ser635Cys; replaces serine 635 with cysteine.
Molecular consequence: missense variant.
Genome position (GRCh38, 1-based): chr14:92,006,072, G>C on the plus strand (C>G on the coding strand, the complement: TRIP11 is on the minus strand). VCF-style: chr14-92006072-G-C. GRCh37 (hg19) VCF-style: chr14-92472416-G-C.
Other names: p.Ser635Cys; c.1901C>G, p.Ser634Cys (NM_001321851.1); short protein forms S635C, S634C.
Identifiers: ClinVar variation 314965 (VCV000314965.28), dbSNP rs59635749, ClinGen allele CA7313861.